The following is an entry in ClinVar:

ClinVar aggregate classification (germline): Uncertain significance (1 of 4 stars; one submission).

Conditions:
Retinoblastoma (RB1). Also called: RETINOBLASTOMA, SOMATIC. Identifiers: Orphanet 790, MedGen C0035335, MeSH D012175, MONDO:0008380, OMIM 180200, HP:0009919. Disease mechanism: loss of function. Inheritance: Both sporadic and heritable forms are tested..

Submission:

Labcorp Genetics (formerly Invitae), Labcorp
Classification: Uncertain significance for Retinoblastoma. Last evaluated: 2024-04-08. Review status: criteria provided, single submitter. Criteria: Invitae Variant Classification Sherloc (09022015). Collection method: clinical testing. Allele origin: germline.
Comment: This sequence change replaces valine, which is neutral and non-polar, with glycine, which is neutral and non-polar, at codon 450 of the RB1 protein (p.Val450Gly). This variant is not present in population databases (gnomAD no frequency). This variant has not been reported in the literature in individuals affected with RB1-related conditions. Advanced modeling of protein sequence and biophysical properties (such as structural, functional, and spatial information, amino acid conservation, physicochemical variation, residue mobility, and thermodynamic stability) has been performed at Invitae for this missense variant, however the output from this modeling did not meet the statistical confidence thresholds required to predict the impact of this variant on RB1 protein function. In summary, the available evidence is currently insufficient to determine the role of this variant in disease. Therefore, it has been classified as a Variant of Uncertain Significance.

NM_000321.3(RB1):c.1349T>G (p.Val450Gly)

Gene: RB1 (RB transcriptional corepressor 1; plus strand). Cytogenetic location: 13q14.2.
Variant type: single nucleotide variant.
Coding change: c.1349T>G on transcript NM_000321.3 (MANE Select); coding-DNA position 1349, T replaced by G.
Protein change: p.Val450Gly; replaces valine 450 with glycine.
Molecular consequence: missense variant.
Genome position (GRCh38, 1-based): chr13:48,379,610, T>G. VCF-style: chr13-48379610-T-G. GRCh37 (hg19) VCF-style: chr13-48953746-T-G.
Other names: c.1349T>G, p.Val450Gly (NM_001407165.1, NM_001407166.1); short protein forms V450G.
Identifiers: ClinVar variation 3649131 (VCV003649131.2).